The following is an entry in ClinVar:

ClinVar aggregate classification (germline): Uncertain significance (1 of 4 stars; one submission).

Conditions:
DK1-congenital disorder of glycosylation. Also called: DK1-CDG; DOLK-congenital disorder of glycosylation; Carbohydrate deficient glycoprotein syndrome type 1m; DK1 DEFICIENCY; DOLICHOL KINASE DEFICIENCY; CONGENITAL DISORDER OF GLYCOSYLATION, TYPE Im. Identifiers: Orphanet 91131, MedGen C1835849, MONDO:0012556, OMIM 610768.

Allele frequency attached by ClinVar (database versions not stated): gnomAD 0.00001; gnomAD exomes 0.00001 and 0.00002; TOPMed 0.00001; ExAC 0.00002; 1000 Genomes Project 30x 0.00016; 1000 Genomes Project 0.00020.

Submission:

Labcorp Genetics (formerly Invitae), Labcorp
Classification: Uncertain significance for DK1-congenital disorder of glycosylation. Last evaluated: 2021-08-26. Review status: criteria provided, single submitter. Criteria: Invitae Variant Classification Sherloc (09022015). Collection method: clinical testing. Allele origin: germline.
Comment: This sequence change replaces serine with cysteine at codon 514 of the DOLK protein (p.Ser514Cys). The serine residue is moderately conserved and there is a moderate physicochemical difference between serine and cysteine. This variant is present in population databases (rs537893599, ExAC 0.009%). This variant has not been reported in the literature in individuals affected with DOLK-related conditions. Algorithms developed to predict the effect of missense changes on protein structure and function are either unavailable or do not agree on the potential impact of this missense change (SIFT: "Deleterious"; PolyPhen-2: "Probably Damaging"; Align-GVGD: "Class C15"). In summary, the available evidence is currently insufficient to determine the role of this variant in disease. Therefore, it has been classified as a Variant of Uncertain Significance.

NM_014908.4(DOLK):c.1541C>G (p.Ser514Cys)

Gene: DOLK (dolichol kinase; minus strand). Cytogenetic location: 9q34.11.
Variant type: single nucleotide variant.
Coding change: c.1541C>G on transcript NM_014908.4 (MANE Select); coding-DNA position 1541, C replaced by G.
Protein change: p.Ser514Cys; replaces serine 514 with cysteine.
Molecular consequence: missense variant.
Genome position (GRCh38, 1-based): chr9:128,945,763, G>C on the plus strand (C>G on the coding strand, the complement: DOLK is on the minus strand). VCF-style: chr9-128945763-G-C. GRCh37 (hg19) VCF-style: chr9-131708042-G-C.
Other names: short protein forms S514C.
Identifiers: ClinVar variation 1357701 (VCV001357701.5), dbSNP rs537893599, ClinGen allele CA5271547.